The following is an entry in ClinVar:

NM_025144.4(ALPK1):c.1388A>G (p.His463Arg)

Gene: ALPK1 (alpha kinase 1; plus strand). Cytogenetic location: 4q25.
Variant type: single nucleotide variant.
Coding change: c.1388A>G on transcript NM_025144.4 (MANE Select); coding-DNA position 1388, A replaced by G.
Protein change: p.His463Arg; replaces histidine 463 with arginine.
Molecular consequence: missense variant.
Genome position (GRCh38, 1-based): chr4:112,430,935, A>G. VCF-style: chr4-112430935-A-G. GRCh37 (hg19) VCF-style: chr4-113352091-A-G.
Other names: c.1388A>G, p.His463Arg (NM_001102406.2); c.1154A>G, p.His385Arg (NM_001253884.2); short protein forms H385R, H463R.
Identifiers: ClinVar variation 3620073 (VCV003620073.2).

ClinVar aggregate classification (germline): Uncertain significance (1 of 4 stars; one submission).

gnomAD v4.1: 9 of 1,614,084 alleles (0.00056%); highest among the groups gnomAD compares: East Asian, 0.016%; no homozygotes.

Submission:

Labcorp Genetics (formerly Invitae), Labcorp
Classification: Uncertain significance. Last evaluated: 2025-04-24. Review status: criteria provided, single submitter. Criteria: Invitae Variant Classification Sherloc (09022015). Collection method: clinical testing. Allele origin: germline.
Comment: This sequence change replaces histidine, which is basic and polar, with arginine, which is basic and polar, at codon 463 of the ALPK1 protein (p.His463Arg). This variant is not present in population databases (gnomAD no frequency). This variant has not been reported in the literature in individuals affected with ALPK1-related conditions. ClinVar contains an entry for this variant (Variation ID: 3620073). Invitae Evidence Modeling of protein sequence and biophysical properties (such as structural, functional, and spatial information, amino acid conservation, physicochemical variation, residue mobility, and thermodynamic stability) indicates that this missense variant is expected to disrupt ALPK1 protein function with a positive predictive value of 80%. In summary, the available evidence is currently insufficient to determine the role of this variant in disease. Therefore, it has been classified as a Variant of Uncertain Significance.